The following is an entry in ClinVar:

ClinVar aggregate classification (germline): Uncertain significance (1 of 4 stars; one submission).

gnomAD v4.1: 3 of 1,613,522 alleles (0.00019%); highest among the groups gnomAD compares: African/African-American, 0.004%; no homozygotes.

Submission:

Labcorp Genetics (formerly Invitae), Labcorp
Classification: Uncertain significance. Last evaluated: 2025-03-13. Review status: criteria provided, single submitter. Criteria: Invitae Variant Classification Sherloc (09022015). Collection method: clinical testing. Allele origin: germline.
Comment: This sequence change replaces phenylalanine, which is neutral and non-polar, with isoleucine, which is neutral and non-polar, at codon 250 of the CLIC5 protein (p.Phe250Ile). This variant is present in population databases (rs147551973, gnomAD 0.02%). This variant has not been reported in the literature in individuals affected with CLIC5-related conditions. An algorithm developed to predict the effect of missense changes on protein structure and function (PolyPhen-2) suggests that this variant is likely to be disruptive. In summary, the available evidence is currently insufficient to determine the role of this variant in disease. Therefore, it has been classified as a Variant of Uncertain Significance.

NM_016929.5(CLIC5):c.271T>A (p.Phe91Ile)

Gene: CLIC5 (chloride intracellular channel 5; minus strand). Cytogenetic location: 6p21.1.
Variant type: single nucleotide variant.
Coding change: c.271T>A on transcript NM_016929.5 (MANE Select); coding-DNA position 271, T replaced by A.
Protein change: p.Phe91Ile; replaces phenylalanine 91 with isoleucine.
Molecular consequence: missense variant.
Genome position (GRCh38, 1-based): chr6:45,949,284, A>T on the plus strand (T>A on the coding strand, the complement: CLIC5 is on the minus strand). VCF-style: chr6-45949284-A-T. GRCh37 (hg19) VCF-style: chr6-45917021-A-T.
Other names: c.748T>A, p.Phe250Ile (NM_001114086.2, NM_001370650.1); c.271T>A, p.Phe91Ile (NM_001256023.2); c.154T>A, p.Phe52Ile (NM_001370649.1); short protein forms F52I, F91I, F250I.
Identifiers: ClinVar variation 4749634 (VCV004749634.1).